The following is an entry in ClinVar:

ClinVar aggregate classification (germline): Uncertain significance (1 of 4 stars; one submission).

Allele frequency attached by ClinVar (database versions not stated): gnomAD 0.00001; gnomAD exomes 0.00001; TOPMed 0.00001.
gnomAD v4.1: 9 of 1,612,026 alleles (0.00056%); highest among the groups gnomAD compares: African/African-American, 0.0013%; no homozygotes.

Submission:

Labcorp Genetics (formerly Invitae), Labcorp
Classification: Uncertain significance. Last evaluated: 2022-02-02. Review status: criteria provided, single submitter. Criteria: Invitae Variant Classification Sherloc (09022015). Collection method: clinical testing. Allele origin: germline.
Comment: This sequence change replaces proline, which is neutral and non-polar, with serine, which is neutral and polar, at codon 598 of the ACE protein (p.Pro598Ser). The frequency data for this variant in the population databases is considered unreliable, as metrics indicate poor data quality at this position in the gnomAD database. This variant has not been reported in the literature in individuals affected with ACE-related conditions. Algorithms developed to predict the effect of missense changes on protein structure and function are either unavailable or do not agree on the potential impact of this missense change (SIFT: "Tolerated"; PolyPhen-2: "Benign"; Align-GVGD: "Class C25"). In summary, the available evidence is currently insufficient to determine the role of this variant in disease. Therefore, it has been classified as a Variant of Uncertain Significance.

NM_000789.4(ACE):c.1792C>T (p.Pro598Ser)

Gene: ACE (angiotensin I converting enzyme; plus strand). Cytogenetic location: 17q23.3.
Variant type: single nucleotide variant.
Coding change: c.1792C>T on transcript NM_000789.4 (MANE Select); coding-DNA position 1792, C replaced by T.
Protein change: p.Pro598Ser; replaces proline 598 with serine.
Molecular consequence: missense variant.
Genome position (GRCh38, 1-based): chr17:63,484,412, C>T. VCF-style: chr17-63484412-C-T. GRCh37 (hg19) VCF-style: chr17-61561773-C-T.
Other names: c.1225C>T, p.Pro409Ser (NM_001382700.1); c.940C>T, p.Pro314Ser (NM_001382701.1); short protein forms P314S, P598S, P409S.
Identifiers: ClinVar variation 2160015 (VCV002160015.4), dbSNP rs988156346, ClinGen allele CA292878279.